The following is an entry in ClinVar:

ClinVar aggregate classification (germline): Uncertain significance (1 of 4 stars; one submission).

Submission:

Labcorp Genetics (formerly Invitae), Labcorp
Classification: Uncertain significance. Last evaluated: 2022-06-17. Review status: criteria provided, single submitter. Criteria: Invitae Variant Classification Sherloc (09022015). Collection method: clinical testing. Allele origin: germline.
Comment: This variant has not been reported in the literature in individuals affected with SCN3A-related conditions. This variant is not present in population databases (gnomAD no frequency). This sequence change replaces proline, which is neutral and non-polar, with serine, which is neutral and polar, at codon 1955 of the SCN3A protein (p.Pro1955Ser). In summary, the available evidence is currently insufficient to determine the role of this variant in disease. Therefore, it has been classified as a Variant of Uncertain Significance. Algorithms developed to predict the effect of missense changes on protein structure and function are either unavailable or do not agree on the potential impact of this missense change (SIFT: "Tolerated"; PolyPhen-2: "Possibly Damaging"; Align-GVGD: "Class C0"). ClinVar contains an entry for this variant (Variation ID: 936975).

NM_006922.4(SCN3A):c.5863C>T (p.Pro1955Ser)

Gene: SCN3A (sodium voltage-gated channel alpha subunit 3; minus strand). Cytogenetic location: 2q24.3.
Variant type: single nucleotide variant.
Coding change: c.5863C>T on transcript NM_006922.4 (MANE Select); coding-DNA position 5863, C replaced by T.
Protein change: p.Pro1955Ser; replaces proline 1955 with serine.
Molecular consequence: missense variant.
Genome position (GRCh38, 1-based): chr2:165,090,290, G>A on the plus strand (C>T on the coding strand, the complement: SCN3A is on the minus strand). VCF-style: chr2-165090290-G-A. GRCh37 (hg19) VCF-style: chr2-165946800-G-A.
Other names: c.5716C>T, p.Pro1906Ser (NM_001081677.2, NM_001081676.2); short protein forms P1955S, P1906S.
Identifiers: ClinVar variation 936975 (VCV000936975.9), dbSNP rs1685018949, ClinGen allele CA349009453.